The following is an entry in ClinVar:

NC_000011.9:g.(?_6411829)_(6415837_?)dup

Gene: SMPD1 (sphingomyelin phosphodiesterase 1; plus strand). Cytogenetic location: 11p15.4.
Variant type: Duplication.
Identifiers: ClinVar variation 3244581 (VCV003244581.1).

ClinVar aggregate classification (germline): Uncertain significance (1 of 4 stars; one submission).

Conditions:
Niemann-Pick disease, type A. Also called: SPHINGOMYELIN LIPIDOSIS; SPHINGOMYELINASE DEFICIENCY; Infantile Neurovisceral ASMD (Niemann-Pick Disease Type A; NPD-A). Identifiers: Orphanet 77292, MedGen C0268242, MONDO:0009756, OMIM 257200. Disease mechanism: loss of function.
Niemann-Pick disease, type B. Also called: Chronic Visceral ASMD (Niemann-Pick Disease Type B; NPD-B). Identifiers: Orphanet 77293, MedGen C0268243, MONDO:0011871, OMIM 607616. Disease mechanism: loss of function.

Submission:

Labcorp Genetics (formerly Invitae), Labcorp
Classification: Uncertain significance for Niemann-Pick disease, type B; Niemann-Pick disease, type A. Last evaluated: 2024-01-07. Review status: criteria provided, single submitter. Criteria: Invitae Variant Classification Sherloc (09022015). Collection method: clinical testing. Allele origin: unknown.
Comment: A copy number gain of the genomic region encompassing the full coding sequence of the SMPD1 gene has been identified. The boundaries of this event are unknown as they extend beyond the assayed region for this gene and therefore may encompass additional genes. As the precise location of this event is unknown, it may be in tandem or it may be located elsewhere in the genome. This variant has not been reported in the literature in individuals affected with SMPD1-related conditions. In summary, the available evidence is currently insufficient to determine the role of this variant in disease. Therefore, it has been classified as a Variant of Uncertain Significance.